The following is an entry in ClinVar:

ClinVar aggregate classification (germline): Benign (1 of 4 stars; one submission).

Allele frequency attached by ClinVar (database versions not stated): 1000 Genomes Project 0.36741.

Submission:

Laboratory for Molecular Medicine, Mass General Brigham Personalized Medicine
Classification: Benign. Last evaluated: 2016-03-28. Review status: criteria provided, single submitter. Criteria: LMM Criteria. Collection method: clinical testing. Allele origin: germline.
Comment: Variant identified in a genome or exome case(s) and assessed due to predicted null impact of the variant or pathogenic assertions in the literature or databases. Disclaimer: This variant has not undergone full assessment. The following are preliminary notes: Common in our data set, gene weakly associated with autoimmune syndrome

NM_001971.6(CELA1):c.9_10insG (p.Leu4fs)

Gene: CELA1 (chymotrypsin like elastase 1; minus strand). Cytogenetic location: 12q13.13.
Variant type: Insertion.
Coding change: c.9_10insG on transcript NM_001971.6 (MANE Select); coding-DNA positions 9 to 10, G inserted.
Protein change: p.Leu4fs; shifts the reading frame from leucine 4.
Molecular consequence: frameshift variant.
Genome position: GRCh38 VCF-style: chr12-51346629-G-GC. GRCh37 (hg19) VCF-style: chr12-51740413-G-GC.
Other names: short protein forms L4fs.
Identifiers: ClinVar variation 402530 (VCV000402530.4), dbSNP rs377599213, ClinGen allele CA16609758.
Genomic context (GRCh38, chr12:51,346,629, plus strand): 5'-CATGATCCACTTACCATAAAGGACCAGGGTTGCGACTGGACCATATCCACTTACCATAAA[G>GC]GACCAGCATGTTGCCGATGGAGTAGACCACTGCCTTCTTGCTTGGACCAAGCCCTCTTTA-3'